The following is an entry in ClinVar:

NM_001130987.2(DYSF):c.2680T>A (p.Ser894Thr)

Gene: DYSF (dysferlin; plus strand). Cytogenetic location: 2p13.2.
Variant type: single nucleotide variant.
Coding change: c.2680T>A on transcript NM_001130987.2 (MANE Select); coding-DNA position 2680, T replaced by A.
Protein change: p.Ser894Thr; replaces serine 894 with threonine.
Molecular consequence: missense variant.
Genome position (GRCh38, 1-based): chr2:71,568,065, T>A. VCF-style: chr2-71568065-T-A. GRCh37 (hg19) VCF-style: chr2-71795195-T-A.
Other names: c.2629T>A, p.Ser877Thr (NM_001130455.2, NM_001130983.2); c.2584T>A, p.Ser862Thr (NM_001130976.2, NM_001130977.2); c.2626T>A, p.Ser876Thr (NM_001130978.2, NM_003494.4); c.2719T>A, p.Ser907Thr (NM_001130979.2); c.2677T>A, p.Ser893Thr (NM_001130980.2, NM_001130981.2); c.2722T>A, p.Ser908Thr (NM_001130982.2); c.2587T>A, p.Ser863Thr (NM_001130984.2, NM_001130986.2); c.2680T>A, p.Ser894Thr (NM_001130985.2); short protein forms S893T, S908T, S876T, S862T, S877T, S894T, S907T, S863T.
Identifiers: ClinVar variation 961730 (VCV000961730.10), dbSNP rs2092212282, ClinGen allele CA347213939.
Genomic context (GRCh38, chr2:71,568,065, plus strand): 5'-CTGTGGTTTGGGCTCTCAGTGGATGAGAAGGAGTTCAACCAGTTTGCTGAGGGGAAGCTG[T>A]CTGTCTTTGCTGAAACCGTGAGTACCTGCCAGCCCCCACCTCTGCCTCCCACTACCTGGA-3'
Protein context (NP_001124459.1, residues 884-904): EFNQFAEGKL[Ser894Thr]VFAETYENET

ClinVar aggregate classification (germline): Uncertain significance (1 of 4 stars; one submission).

Conditions:
Neuromuscular disease caused by qualitative or quantitative defects of dysferlin. Also called: Qualitative or quantitative defects of dysferlin; Dysferlinopathy. Identifiers: Orphanet 207073, MedGen C2931687, MONDO:0016145.

Submission:

Labcorp Genetics (formerly Invitae), Labcorp
Classification: Uncertain significance for Neuromuscular disease caused by qualitative or quantitative defects of dysferlin. Last evaluated: 2022-09-06. Review status: criteria provided, single submitter. Criteria: Invitae Variant Classification Sherloc (09022015). Collection method: clinical testing. Allele origin: germline.
Comment: This variant has not been reported in the literature in individuals affected with DYSF-related conditions. This variant is not present in population databases (gnomAD no frequency). This sequence change replaces serine, which is neutral and polar, with threonine, which is neutral and polar, at codon 876 of the DYSF protein (p.Ser876Thr). ClinVar contains an entry for this variant (Variation ID: 961730). In summary, the available evidence is currently insufficient to determine the role of this variant in disease. Therefore, it has been classified as a Variant of Uncertain Significance. Advanced modeling of protein sequence and biophysical properties (such as structural, functional, and spatial information, amino acid conservation, physicochemical variation, residue mobility, and thermodynamic stability) performed at Invitae indicates that this missense variant is not expected to disrupt DYSF protein function.